The following is an entry in ClinVar:

ClinVar aggregate classification (germline): Uncertain significance (1 of 4 stars; one submission).

Conditions:
RNF213-related disorder. Also called: RNF213-related condition.

Submission:

PreventionGenetics, part of Exact Sciences
Classification: Uncertain significance for RNF213-related condition. Last evaluated: 2025-12-17. Review status: criteria provided, single submitter. Criteria: ACMG Guidelines, 2015. Collection method: clinical testing. Allele origin: germline.
Comment: The RNF213 c.3272A>G variant is predicted to result in the amino acid substitution p.Lys1091Arg. To our knowledge, this variant has not been reported in the literature or in a large population database (gnomAD), indicating this variant is rare. At this time, the clinical significance of this variant is uncertain due to the absence of conclusive functional and genetic evidence.

NM_001256071.3(RNF213):c.3272A>G (p.Lys1091Arg)

Gene: RNF213 (ring finger protein 213; plus strand). Cytogenetic location: 17q25.3.
Variant type: single nucleotide variant.
Coding change: c.3272A>G on transcript NM_001256071.3 (MANE Select); coding-DNA position 3272, A replaced by G.
Protein change: p.Lys1091Arg; replaces lysine 1091 with arginine.
Molecular consequence: missense variant.
Genome position (GRCh38, 1-based): chr17:80,327,894, A>G. VCF-style: chr17-80327894-A-G. GRCh37 (hg19) VCF-style: chr17-78301694-A-G.
Other names: c.3419A>G, p.Lys1140Arg (NM_001410195.1, NM_020914.5); short protein forms K1140R, K1091R.
Identifiers: ClinVar variation 4992615 (VCV004992615.1).